The following is an entry in ClinVar:

NM_003900.5(SQSTM1):c.295A>C (p.Ile99Leu)

Gene: SQSTM1 (sequestosome 1; plus strand). Cytogenetic location: 5q35.3.
Variant type: single nucleotide variant.
Coding change: c.295A>C on transcript NM_003900.5 (MANE Select); coding-DNA position 295, A replaced by C.
Protein change: p.Ile99Leu; replaces isoleucine 99 with leucine.
Molecular consequence: missense variant.
Genome position (GRCh38, 1-based): chr5:179,823,047, A>C. VCF-style: chr5-179823047-A-C. GRCh37 (hg19) VCF-style: chr5-179250047-A-C.
Other names: c.43A>C, p.Ile15Leu (NM_001142298.2, NM_001142299.2); short protein forms I99L, I15L.
Identifiers: ClinVar variation 707311 (VCV000707311.14), dbSNP rs537142935, ClinGen allele CA3600440.

ClinVar aggregate classification (germline): Conflicting classifications of pathogenicity. Review status: criteria provided, conflicting classifications (1 of 4 stars). 3 submissions from 3 submitters: Uncertain significance (2); Likely benign (1). Last evaluated 2026-01-26.

Conditions:
Frontotemporal dementia and/or amyotrophic lateral sclerosis 1 (FTDALS1). Also called: Frontotemporal dementia with motor neuron disease 1; C9orf72 Frontotemporal Dementia and/or Amyotrophic Lateral Sclerosis. Identifiers: Orphanet 275872, MedGen C5779877, MONDO:0007105, OMIM 105550.
Paget disease of bone 2, early-onset (PDB2). Also called: Paget disease of bone 2. Identifiers: MedGen C4085251, MONDO:0011183, OMIM 602080.

Allele frequency attached by ClinVar (database versions not stated): TOPMed 0.00004; gnomAD 0.00005; ExAC 0.00009; gnomAD exomes 0.00011; 1000 Genomes Project 30x 0.00031; 1000 Genomes Project 0.00040.
gnomAD v4.1: 43 of 1,614,002 alleles (0.0027%); highest among the groups gnomAD compares: East Asian, 0.091%; no homozygotes.

Submissions (3):

Labcorp Genetics (formerly Invitae), Labcorp
Classification: Likely benign for Paget disease of bone 2, early-onset; Frontotemporal dementia and/or amyotrophic lateral sclerosis 1. Last evaluated: 2026-01-26. Review status: criteria provided, single submitter. Criteria: Invitae Variant Classification Sherloc (09022015). Collection method: clinical testing. Allele origin: germline.

GeneDx
Classification: Uncertain significance. Last evaluated: 2023-10-02. Review status: criteria provided, single submitter. Criteria: GeneDx Variant Classification Process June 2021. Collection method: clinical testing. Allele origin: germline. Affected: yes.
Comment: In silico analysis supports that this missense variant does not alter protein structure/function; This variant is associated with the following publications: (PMID: 24138988)

Revvity Omics, Revvity
Classification: Uncertain significance. Last evaluated: 2020-10-08. Review status: criteria provided, single submitter. Criteria: ACMG Guidelines, 2015. Collection method: clinical testing. Allele origin: germline.